The following is an entry in ClinVar:

ClinVar aggregate classification (germline): Uncertain significance (1 of 4 stars; one submission).

Submission:

Ambry Genetics
Classification: Uncertain significance. Last evaluated: 2024-10-23. Review status: criteria provided, single submitter. Criteria: Ambry Variant Classification Scheme 2023. Collection method: clinical testing. Allele origin: germline.
Comment: The p.S498P variant (also known as c.1492T>C), located in coding exon 13 of the NPAT gene, results from a T to C substitution at nucleotide position 1492. The serine at codon 498 is replaced by proline, an amino acid with similar properties. This amino acid position is conserved. In addition, this alteration is predicted to be tolerated by in silico analysis. Based on the available evidence, the clinical significance of this variant remains unclear.

NM_002519.3(NPAT):c.1492T>C (p.Ser498Pro)

Gene: NPAT (nuclear protein, coactivator of histone transcription; minus strand). Cytogenetic location: 11q22.3.
Variant type: single nucleotide variant.
Coding change: c.1492T>C on transcript NM_002519.3 (MANE Select); coding-DNA position 1492, T replaced by C.
Protein change: p.Ser498Pro; replaces serine 498 with proline.
Molecular consequence: missense variant.
Genome position (GRCh38, 1-based): chr11:108,173,492, A>G on the plus strand (T>C on the coding strand, the complement: NPAT is on the minus strand). VCF-style: chr11-108173492-A-G. GRCh37 (hg19) VCF-style: chr11-108044219-A-G.
Other names: c.1492T>C, p.Ser498Pro (NM_001321307.1); short protein forms S498P.
Identifiers: ClinVar variation 3407253 (VCV003407253.1).